The following is an entry in ClinVar:

NM_001001344.3(ATP2B3):c.2433+9C>T

Gene: ATP2B3 (ATPase plasma membrane Ca2+ transporting 3; plus strand). Cytogenetic location: Xq28.
Variant type: single nucleotide variant.
Coding change: c.2433+9C>T on transcript NM_001001344.3 (MANE Select); 9 bases into the intron after coding-DNA position 2433, C replaced by T.
Molecular consequence: intron variant.
Genome position (GRCh38, 1-based): chrX:153,557,032, C>T. VCF-style: chrX-153557032-C-T. GRCh37 (hg19) VCF-style: chrX-152822490-C-T.
Other names: c.2433+9C>T (NM_021949.4, NM_001388360.1, NM_001388361.1 and 1 more transcripts); c.2391+9C>T (NM_001410708.1).
Identifiers: ClinVar variation 3053024 (VCV003053024.2), dbSNP rs1322254238, ClinGen allele CA645151579.

ClinVar aggregate classification (germline): Likely benign (0 of 4 stars; one submission).

Conditions:
ATP2B3-related disorder. Also called: ATP2B3-related condition.

Allele frequency attached by ClinVar (database versions not stated): TOPMed 0.00002.
gnomAD v4.1: 5 of 1,166,218 alleles (0.00043%); highest among the groups gnomAD compares: African/African-American, 0.0053%; no homozygotes.

Submission:

PreventionGenetics, part of Exact Sciences
Classification: Likely benign for ATP2B3-related condition. Last evaluated: 2019-09-06. Review status: no assertion criteria provided. Collection method: clinical testing. Allele origin: germline.
Comment: This variant is classified as likely benign based on ACMG/AMP sequence variant interpretation guidelines (Richards et al. 2015 PMID: 25741868, with internal and published modifications).